The following is an entry in ClinVar:

ClinVar aggregate classification (germline): Uncertain significance. Review status: criteria provided, multiple submitters, no conflicts (2 of 4 stars). 4 submissions from 4 submitters: Uncertain significance (3). 1 of the submissions does not count toward it. Last evaluated 2025-05-25.

Conditions:
Neuromuscular disease caused by qualitative or quantitative defects of dysferlin. Also called: Qualitative or quantitative defects of dysferlin; Dysferlinopathy. Identifiers: Orphanet 207073, MedGen C2931687, MONDO:0016145.
Autosomal recessive limb-girdle muscular dystrophy type 2B (LGMDR2). Also called: Limb-Girdle Muscular Dystrophy Type 2B (LGMD2B); Limb-girdle muscular dystrophy, type 2B; MUSCULAR DYSTROPHY, LIMB-GIRDLE, TYPE 3; MUSCULAR DYSTROPHY, LIMB-GIRDLE, AUTOSOMAL RECESSIVE 2. Identifiers: Orphanet 268, MedGen C1850889, MONDO:0009676, OMIM 253601.
Inborn genetic diseases. Identifiers: MedGen C0950123, MeSH D030342.

Allele frequency attached by ClinVar (database versions not stated): gnomAD 0.00002; gnomAD exomes 0.00002; TOPMed 0.00002; ExAC 0.00003.
gnomAD v4.1: 34 of 1,614,026 alleles (0.0021%); highest among the groups gnomAD compares: Admixed American, 0.0067%; no homozygotes.

Submissions (4):

Ambry Genetics
Classification: Uncertain significance for Inborn genetic diseases. Last evaluated: 2025-05-25. Review status: criteria provided, single submitter. Criteria: Ambry Variant Classification Scheme 2023. Collection method: clinical testing. Allele origin: germline.

Revvity Omics, Revvity
Classification: Uncertain significance. Last evaluated: 2024-09-21. Review status: criteria provided, single submitter. Criteria: ACMG Guidelines, 2015. Collection method: clinical testing. Allele origin: germline.

Labcorp Genetics (formerly Invitae), Labcorp
Classification: Uncertain significance for Neuromuscular disease caused by qualitative or quantitative defects of dysferlin. Last evaluated: 2022-07-18. Review status: criteria provided, single submitter. Criteria: Invitae Variant Classification Sherloc (09022015). Collection method: clinical testing. Allele origin: germline.
Comment: This sequence change replaces arginine, which is basic and polar, with histidine, which is basic and polar, at codon 744 of the DYSF protein (p.Arg744His). This variant is present in population databases (rs759015457, gnomAD 0.007%). This variant has not been reported in the literature in individuals affected with DYSF-related conditions. ClinVar contains an entry for this variant (Variation ID: 859751). Advanced modeling of protein sequence and biophysical properties (such as structural, functional, and spatial information, amino acid conservation, physicochemical variation, residue mobility, and thermodynamic stability) performed at Invitae indicates that this missense variant is expected to disrupt DYSF protein function. In summary, the available evidence is currently insufficient to determine the role of this variant in disease. Therefore, it has been classified as a Variant of Uncertain Significance.

Natera, Inc.
Classification: Uncertain significance for Limb-girdle muscular dystrophy type 2B. Last evaluated: 2020-09-16. Review status: no assertion criteria provided. Collection method: clinical testing. Allele origin: germline. Not counted in ClinVar's aggregate classification.

NM_001130987.2(DYSF):c.2285G>A (p.Arg762His)

Gene: DYSF (dysferlin; plus strand). Cytogenetic location: 2p13.2.
Variant type: single nucleotide variant.
Coding change: c.2285G>A on transcript NM_001130987.2 (MANE Select); coding-DNA position 2285, G replaced by A.
Protein change: p.Arg762His; replaces arginine 762 with histidine.
Molecular consequence: missense variant.
Genome position (GRCh38, 1-based): chr2:71,561,820, G>A. VCF-style: chr2-71561820-G-A. GRCh37 (hg19) VCF-style: chr2-71788950-G-A.
Other names: c.2234G>A, p.Arg745His (NM_001130455.2, NM_001130983.2); c.2189G>A, p.Arg730His (NM_001130976.2, NM_001130977.2); c.2231G>A, p.Arg744His (NM_001130978.2, NM_003494.4); c.2324G>A, p.Arg775His (NM_001130979.2); c.2282G>A, p.Arg761His (NM_001130980.2, NM_001130981.2); c.2327G>A, p.Arg776His (NM_001130982.2); c.2192G>A, p.Arg731His (NM_001130984.2, NM_001130986.2); c.2285G>A, p.Arg762His (NM_001130985.2); short protein forms R730H, R731H, R762H, R744H, R761H, R775H, R745H, R776H.
Identifiers: ClinVar variation 859751 (VCV000859751.6), dbSNP rs759015457, ClinGen allele CA1706116.
Genomic context (GRCh38, chr2:71,561,820, plus strand): 5'-TGGGTGACATCCATGAGACACCCTCTGCCACCCACCTGGACCAGTACCTGTACCAGCTGC[G>A]CACCCATCACCTGAGCCAAATCACTGAGGCTGCCCTGGCCCTGAAGCTCGGCCACAGTGA-3'
Protein context (NP_001124459.1, residues 752-772): THLDQYLYQL[Arg762His]THHLSQITEA